The following is an entry in ClinVar:

NM_025074.7(FRAS1):c.2010T>A (p.Cys670Ter)

Gene: FRAS1 (Fraser extracellular matrix complex subunit 1; plus strand). Cytogenetic location: 4q21.21.
Variant type: single nucleotide variant.
Coding change: c.2010T>A on transcript NM_025074.7 (MANE Select); coding-DNA position 2010, T replaced by A.
Protein change: p.Cys670Ter; replaces cysteine 670 with a stop codon.
Molecular consequence: nonsense.
Genome position (GRCh38, 1-based): chr4:78,318,859, T>A. VCF-style: chr4-78318859-T-A. GRCh37 (hg19) VCF-style: chr4-79240013-T-A.
Other names: c.2010T>A, p.Cys670Ter (NM_001166133.2); short protein forms C670*.
Identifiers: ClinVar variation 916655 (VCV000916655.4), dbSNP rs1338479649, ClinGen allele CA357368509.

ClinVar aggregate classification (germline): Pathogenic. Review status: criteria provided, multiple submitters, no conflicts (2 of 4 stars). 2 submissions from 2 submitters: Pathogenic (2). Last evaluated 2023-11-21.

Conditions:
Fraser syndrome 1 (FRASRS1). Also called: CRYPTOPHTHALMOS WITH OTHER MALFORMATIONS. Identifiers: Orphanet 2052, MedGen C4551480, MONDO:0054737, OMIM 219000.

Allele frequency attached by ClinVar (database versions not stated): gnomAD exomes 0.00001.
gnomAD v4.1: 2 of 1,613,972 alleles (0.00012%); highest among the groups gnomAD compares: Non-Finnish European, 0.00017%; no homozygotes.

Submissions (2):

Labcorp Genetics (formerly Invitae), Labcorp
Classification: Pathogenic. Last evaluated: 2023-11-21. Review status: criteria provided, single submitter. Criteria: Invitae Variant Classification Sherloc (09022015). Collection method: clinical testing. Allele origin: germline.
Comment: This sequence change creates a premature translational stop signal (p.Cys670*) in the FRAS1 gene. It is expected to result in an absent or disrupted protein product. Loss-of-function variants in FRAS1 are known to be pathogenic (PMID: 12766769, 18671281). This variant is present in population databases (no rsID available, gnomAD 0.002%). This premature translational stop signal has been observed in individual(s) with Fraser syndrome (PMID: 32488952). ClinVar contains an entry for this variant (Variation ID: 916655). For these reasons, this variant has been classified as Pathogenic.

Service de Biochimie Médicale et Biologie Moléculaire, CHU Clermont-Ferrand
Classification: Pathogenic for Fraser syndrome 1. Last evaluated: 2018-09-14. Review status: criteria provided, single submitter. Criteria: ACMG Guidelines, 2015. Collection method: clinical testing. Allele origin: inherited. Inheritance: Autosomal recessive inheritance. Affected: yes.
Comment: This variant in homozygous state or compound heterozygous state induced Fraser syndrome phenotype

Literature cited by the submitters: PubMed 12766769 (cited by Labcorp Genetics (formerly Invitae), Labcorp); PubMed 18671281 (cited by Labcorp Genetics (formerly Invitae), Labcorp); PubMed 32488952 (cited by Labcorp Genetics (formerly Invitae), Labcorp).